The following is an entry in ClinVar:

ClinVar aggregate classification (germline): Uncertain significance (1 of 4 stars; one submission).

Conditions:
DYRK1A-related intellectual disability syndrome (MRD7). Also called: Intellectual developmental disorder, autosomal dominant 7; DYRK1A Syndrome. Identifiers: Orphanet 464306, MedGen C5568143, MONDO:0013578, OMIM 614104.

Allele frequency attached by ClinVar (database versions not stated): gnomAD exomes below 0.00001 and 0.00001; TOPMed below 0.00001; ExAC 0.00001.

Submission:

Labcorp Genetics (formerly Invitae), Labcorp
Classification: Uncertain significance for DYRK1A-related intellectual disability syndrome. Last evaluated: 2019-03-20. Review status: criteria provided, single submitter. Criteria: Invitae Variant Classification Sherloc (09022015). Collection method: clinical testing. Allele origin: germline.
Comment: In summary, the available evidence is currently insufficient to determine the role of this variant in disease. Therefore, it has been classified as a Variant of Uncertain Significance. Algorithms developed to predict the effect of missense changes on protein structure and function are either unavailable or do not agree on the potential impact of this missense change (SIFT: "Deleterious"; PolyPhen-2: "Benign"; Align-GVGD: "Class C0"). This variant has not been reported in the literature in individuals with DYRK1A-related conditions. This variant is present in population databases (rs757789128, ExAC 0.002%). This sequence change replaces arginine with glutamine at codon 205 of the DYRK1A protein (p.Arg205Gln). The arginine residue is moderately conserved and there is a small physicochemical difference between arginine and glutamine.

NM_001347721.2(DYRK1A):c.587G>A (p.Arg196Gln)

Gene: DYRK1A (dual specificity tyrosine phosphorylation regulated kinase 1A; plus strand). Cytogenetic location: 21q22.13.
Variant type: single nucleotide variant.
Coding change: c.587G>A on transcript NM_001347721.2 (MANE Select); coding-DNA position 587, G replaced by A.
Protein change: p.Arg196Gln; replaces arginine 196 with glutamine.
Molecular consequence: missense variant.
Genome position (GRCh38, 1-based): chr21:37,486,564, G>A. VCF-style: chr21-37486564-G-A. GRCh37 (hg19) VCF-style: chr21-38858866-G-A.
Other names: c.587G>A, p.Arg196Gln (NM_001347722.2, NM_130436.2); c.500G>A, p.Arg167Gln (NM_001347723.2); c.614G>A, p.Arg205Gln (NM_001396.5, NM_101395.2, NM_130438.2); short protein forms R167Q, R196Q, R205Q.
Identifiers: ClinVar variation 835975 (VCV000835975.10), dbSNP rs757789128, ClinGen allele CA10023815.